The following is an entry in ClinVar:

NM_006828.4(ASCC3):c.540C>T (p.Asp180=)

Gene: ASCC3 (activating signal cointegrator 1 complex subunit 3; minus strand). Cytogenetic location: 6q16.3.
Variant type: single nucleotide variant.
Coding change: c.540C>T on transcript NM_006828.4 (MANE Select); coding-DNA position 540, C replaced by T.
Protein change: p.Asp180=; no amino-acid change (aspartic acid 180 retained).
Molecular consequence: synonymous variant.
Genome position (GRCh38, 1-based): chr6:100,848,409, G>A on the plus strand (C>T on the coding strand, the complement: ASCC3 is on the minus strand). VCF-style: chr6-100848409-G-A. GRCh37 (hg19) VCF-style: chr6-101296285-G-A.
Other names: c.540C>T, p.Asp180= (NM_001284271.2).
Identifiers: ClinVar variation 716136 (VCV000716136.7), dbSNP rs74857103, ClinGen allele CA3939017.
Genomic context (GRCh38, chr6:100,848,409, plus strand): 5'-CAGAAACTTCTTATAATCTAGGCTTATAGTTTTCTGAGTTTCACCATTTATTGGCAGTTC[G>A]TCAAAGTGGTCCAAATCATGCATGTCAAATGAAAATGCTAAATTTTTACCAAAAAAAACC-3'
Protein context (NP_006819.2, residues 170-190): SFDMHDLDHF[Asp180=]ELPINGETQK

ClinVar aggregate classification (germline): Benign/Likely benign. Review status: criteria provided, multiple submitters, no conflicts (2 of 4 stars). 2 submissions from 2 submitters: Benign (1); Likely benign (1). Last evaluated 2026-06-01.

Allele frequency attached by ClinVar (database versions not stated): gnomAD exomes 0.00134 and 0.00170; ExAC 0.00161; ESP Exome Variant Server 0.00269; gnomAD 0.00317 and 0.00325; TOPMed 0.00379; 1000 Genomes Project 0.00439; 1000 Genomes Project 30x 0.00531.
gnomAD v4.1: 2,449 of 1,613,094 alleles (0.15%); highest among the groups gnomAD compares: African/African-American, 0.88%; 8 homozygotes.

Submissions (2):

CeGaT Center for Human Genetics Tuebingen
Classification: Likely benign. Last evaluated: 2026-06-01. Review status: criteria provided, single submitter. Criteria: CeGaT Center For Human Genetics Tuebingen Variant Classification Criteria Version 2. Collection method: clinical testing. Allele origin: germline. Affected: yes. Observed: 2 variant alleles.
Comment: ASCC3: BP4, BP7

Labcorp Genetics (formerly Invitae), Labcorp
Classification: Benign. Last evaluated: 2018-04-04. Review status: criteria provided, single submitter. Criteria: Invitae Variant Classification Sherloc (09022015). Collection method: clinical testing. Allele origin: germline.